The following is an entry in ClinVar:

NM_001348768.2(HECW2):c.4343T>C (p.Leu1448Ser)

Gene: HECW2 (HECT, C2 and WW domain containing E3 ubiquitin protein ligase 2; minus strand). Cytogenetic location: 2q32.3.
Variant type: single nucleotide variant.
Coding change: c.4343T>C on transcript NM_001348768.2 (MANE Select); coding-DNA position 4343, T replaced by C.
Protein change: p.Leu1448Ser; replaces leucine 1448 with serine.
Molecular consequence: missense variant.
Genome position (GRCh38, 1-based): chr2:196,220,104, A>G on the plus strand (T>C on the coding strand, the complement: HECW2 is on the minus strand). VCF-style: chr2-196220104-A-G. GRCh37 (hg19) VCF-style: chr2-197084828-A-G.
Other names: c.3275T>C, p.Leu1092Ser (NM_001304840.3); c.4343T>C, p.Leu1448Ser (NM_020760.4); short protein forms L1092S, L1448S.
Identifiers: ClinVar variation 1320205 (VCV001320205.2), dbSNP rs1575240464, ClinGen allele CA349944448.
Genomic context (GRCh38, chr2:196,220,104, plus strand): 5'-CTATATTCTGTGTTGTTTCTCCAATCACTTAGGTCTATTTCAGCTGTGCCTGCGATGACC[A>G]ATTCCAGTTCTCTTGCATCAAAAACAGATACCAGCCTGGCATCCACCACCTGTGGAATAA-3'
Protein context (NP_001335697.1, residues 1438-1458): VSVFDARELE[Leu1448Ser]VIAGTAEIDL

ClinVar aggregate classification (germline): Likely pathogenic. Review status: criteria provided, multiple submitters, no conflicts (2 of 4 stars). 2 submissions from 2 submitters: Likely pathogenic (2). Last evaluated 2024-11-01.

Conditions:
HECW2-related disorders.
Neurodevelopmental disorder with hypotonia, seizures, and absent language (NDHSAL). Identifiers: MedGen C4310643, MONDO:0014995, OMIM 617268.

Submissions (2):

Blueprint Genetics
Classification: Likely pathogenic for HECW2-related disorders. Last evaluated: 2024-11-01. Review status: criteria provided, single submitter. Criteria: ACMG Guidelines, 2015. Collection method: clinical testing. Allele origin: germline. Affected: yes. Observed: 1 variant allele.

3billion
Classification: Likely pathogenic for Neurodevelopmental disorder with hypotonia, seizures, and absent language. Last evaluated: 2021-10-02. Review status: criteria provided, single submitter. Criteria: ACMG Guidelines, 2015. Collection method: clinical testing. Allele origin: germline. Affected: yes. Observed: 1 heterozygote.
Comment: The missense variant is located in a mutational hot spot and/or well-established functional domain in which established pathogenic variants have been reported (PM1). It is not observed in the gnomAD v2.1.1 dataset (PM2). A different missense change at the same codon (p.Leu1448Trp) has been reported as likely pathogenic (ClinVar ID: VCV000801845.1, PM5). The variant was observed as assumed (i.e. paternity and maternity not confirmed) de novoo (3billion dataset, PM6). In silico tool predictions suggest damaging effect of the variant on gene or gene product (REVEL: 0.762, 3Cnet: 0.964, PP3). Therefore, this variant is classified as likely pathogenic according to the recommendation of ACMG/AMP guideline.